The following is an entry in ClinVar:

ClinVar aggregate classification (germline): Uncertain significance (1 of 4 stars; one submission).

Submission:

Ambry Genetics
Classification: Uncertain significance. Last evaluated: 2024-12-07. Review status: criteria provided, single submitter. Criteria: Ambry Variant Classification Scheme 2023. Collection method: clinical testing. Allele origin: germline.
Comment: The p.L1333F variant (also known as c.3997C>T), located in coding exon 18 of the WNK2 gene, results from a C to T substitution at nucleotide position 3997. The leucine at codon 1333 is replaced by phenylalanine, an amino acid with highly similar properties. This amino acid position is conserved. In addition, this alteration is predicted to be tolerated by in silico analysis. Based on the available evidence, the clinical significance of this variant remains unclear.

NM_006648.4(WNK2):c.3997C>T (p.Leu1333Phe)

Gene: WNK2 (WNK lysine deficient protein kinase 2; plus strand). Cytogenetic location: 9q22.31.
Variant type: single nucleotide variant.
Coding change: c.3997C>T on transcript NM_006648.4 (MANE Select); coding-DNA position 3997, C replaced by T.
Protein change: p.Leu1333Phe; replaces leucine 1333 with phenylalanine.
Molecular consequence: missense variant.
Genome position (GRCh38, 1-based): chr9:93,268,710, C>T. VCF-style: chr9-93268710-C-T. GRCh37 (hg19) VCF-style: chr9-96030992-C-T.
Other names: c.3997C>T, p.Leu1333Phe (NM_001282394.3); short protein forms L1333F.
Identifiers: ClinVar variation 3470644 (VCV003470644.1).